The following is an entry in ClinVar:

ClinVar aggregate classification (germline): Pathogenic/Likely pathogenic. Review status: criteria provided, multiple submitters, no conflicts (2 of 4 stars). 6 submissions from 6 submitters: Pathogenic (2); Likely pathogenic (3). 1 of the submissions does not count toward it. Last evaluated 2026-02-19.

Conditions:
VARS2-related disorder. Also called: VARS2-related condition; VARS2-related disorders.
Combined oxidative phosphorylation defect type 20. Also called: Combined oxidative phosphorylation deficiency 20. Identifiers: Orphanet 420728, MedGen C4014660, MONDO:0014397, OMIM 615917.

Allele frequency attached by ClinVar (database versions not stated): TOPMed 0.00009; gnomAD 0.00011; ESP Exome Variant Server 0.00012; 1000 Genomes Project 30x 0.00016; gnomAD exomes 0.00016 and 0.00017; ExAC 0.00023.
gnomAD v4.1: 254 of 1,611,626 alleles (0.016%); highest among the groups gnomAD compares: Non-Finnish European, 0.02%; no homozygotes.

Submissions (7):

GeneDx
Classification: Likely pathogenic. Last evaluated: 2026-02-19. Review status: criteria provided, single submitter. Criteria: GeneDx Variant Classification Process June 2021. Collection method: clinical testing. Allele origin: germline.
Comment: Canonical splice site variant predicted to result in an in-frame loss of the adjacent exon in a gene for which loss of function is a known mechanism of disease; This variant is associated with the following publications: (PMID: 29313548, 29314548, 31275557)

Labcorp Genetics (formerly Invitae), Labcorp
Classification: Pathogenic. Last evaluated: 2026-01-17. Review status: criteria provided, single submitter. Criteria: Invitae Variant Classification Sherloc (09022015). Collection method: clinical testing. Allele origin: germline.
Comment: This sequence change affects an acceptor splice site in intron 25 of the VARS2 gene. It is expected to disrupt RNA splicing. Variants that disrupt the donor or acceptor splice site typically lead to a loss of protein function (PMID: 16199547), and loss-of-function variants in VARS2 are known to be pathogenic (PMID: 29313548). This variant is present in population databases (rs200075594, gnomAD 0.03%). Disruption of this splice site has been observed in individual(s) with VARS2-related mitochondrial disease (PMID: 29314548). In at least one individual the data is consistent with being in trans (on the opposite chromosome) from a pathogenic variant. ClinVar contains an entry for this variant (Variation ID: 933237). Algorithms developed to predict the effect of sequence changes on RNA splicing suggest that this variant may disrupt the consensus splice site. For these reasons, this variant has been classified as Pathogenic.

Blueprint Genetics
Classification: Likely pathogenic for VARS2-related disorders. Last evaluated: 2024-11-07. Review status: criteria provided, single submitter. Criteria: ACMG Guidelines, 2015. Collection method: clinical testing. Allele origin: germline. Affected: yes. Observed: 5 variant alleles.

Fulgent Genetics
Classification: Likely pathogenic for Combined oxidative phosphorylation defect type 20. Last evaluated: 2021-07-16. Review status: criteria provided, single submitter. Criteria: ACMG Guidelines, 2015. Collection method: clinical testing. Allele origin: unknown.

CeGaT Center for Human Genetics Tuebingen
Classification: Pathogenic. Last evaluated: 2020-10-01. Review status: criteria provided, single submitter. Criteria: CeGaT Center For Human Genetics Tuebingen Variant Classification Criteria Version 2. Collection method: clinical testing. Allele origin: germline. Affected: yes. Observed: 2 variant alleles.

OMIM
Classification: Pathogenic for COMBINED OXIDATIVE PHOSPHORYLATION DEFICIENCY 20. Last evaluated: 2020-07-10. Review status: no assertion criteria provided. Collection method: literature only. Allele origin: germline. Not counted in ClinVar's aggregate classification.

Dr. Peter K. Rogan Lab, Western University
No classification provided (evidence only). Condition: Adrenocortical carcinoma, hereditary. Review status: no classification provided. Collection method: in vitro. Allele origin: not applicable. Functional consequence: retained intron. Not counted in ClinVar's aggregate classification.

Literature cited by the submitters: PubMed 16199547 (cited by Labcorp Genetics (formerly Invitae), Labcorp); PubMed 29313548 (cited by Labcorp Genetics (formerly Invitae), Labcorp); PubMed 29314548 (cited by Labcorp Genetics (formerly Invitae), Labcorp and OMIM).

NM_020442.6(VARS2):c.2467-2A>G

Gene: VARS2 (valyl-tRNA synthetase 2, mitochondrial; plus strand). Cytogenetic location: 6p21.33.
Variant type: single nucleotide variant.
Coding change: c.2467-2A>G on transcript NM_020442.6 (MANE Select); the canonical splice acceptor site of the intron before coding-DNA position 2467, A replaced by G.
Molecular consequence: splice acceptor variant.
Genome position (GRCh38, 1-based): chr6:30,924,352, A>G. VCF-style: chr6-30924352-A-G. GRCh37 (hg19) VCF-style: chr6-30892129-A-G.
Other names: c.2557-2A>G (NM_001167734.2); c.2047-2A>G (NM_001167733.3).
Identifiers: ClinVar variation 933237 (VCV000933237.51), dbSNP rs200075594, ClinGen allele CA3706284.